The following is an entry in ClinVar:

NM_203395.3(IYD):c.737G>A (p.Arg246Gln)

Gene: IYD (iodotyrosine deiodinase; plus strand). Cytogenetic location: 6q25.1.
Variant type: single nucleotide variant.
Coding change: c.737G>A on transcript NM_203395.3 (MANE Select); coding-DNA position 737, G replaced by A.
Protein change: p.Arg246Gln; replaces arginine 246 with glutamine.
Molecular consequence: missense variant. On other transcripts: synonymous variant (1), 3 prime UTR variant (1), non-coding transcript variant (1).
Genome position (GRCh38, 1-based): chr6:150,398,104, G>A. VCF-style: chr6-150398104-G-A. GRCh37 (hg19) VCF-style: chr6-150719240-G-A.
Other names: c.849G>A, p.Ser283= (NM_001164694.2); c.*54G>A (NM_001164695.2); c.491G>A, p.Arg164Gln (NM_001318495.2); c.491G>A (NM_001318495.1); short protein forms R246Q, R164Q.
Identifiers: ClinVar variation 716354 (VCV000716354.7), dbSNP rs73619510, ClinGen allele CA4047140.

ClinVar aggregate classification (germline): Benign. Review status: criteria provided, single submitter (1 of 4 stars). 2 submissions from 2 submitters: Benign (1). 1 of the submissions does not count toward it. Last evaluated 2026-01-24.

Conditions:
IYD-related disorder. Also called: IYD-related condition.

Allele frequency attached by ClinVar (database versions not stated): gnomAD exomes 0.00323; ExAC 0.00393; 1000 Genomes Project 30x 0.01265; 1000 Genomes Project 0.01278; gnomAD 0.01316; ESP Exome Variant Server 0.01369; TOPMed 0.01409.

Submissions (2):

Labcorp Genetics (formerly Invitae), Labcorp
Classification: Benign. Last evaluated: 2026-01-24. Review status: criteria provided, single submitter. Criteria: Invitae Variant Classification Sherloc (09022015). Collection method: clinical testing. Allele origin: germline.

PreventionGenetics, part of Exact Sciences
Classification: Benign for IYD-related condition. Last evaluated: 2023-12-07. Review status: no assertion criteria provided. Collection method: clinical testing. Allele origin: germline. Not counted in ClinVar's aggregate classification.
Comment: This variant is classified as benign based on ACMG/AMP sequence variant interpretation guidelines (Richards et al. 2015 PMID: 25741868, with internal and published modifications).